The following is an entry in ClinVar:

NM_014991.6(WDFY3):c.6455A>C (p.His2152Pro)

Gene: WDFY3 (WD repeat and FYVE domain containing 3; minus strand). Cytogenetic location: 4q21.23.
Variant type: single nucleotide variant.
Coding change: c.6455A>C on transcript NM_014991.6 (MANE Select); coding-DNA position 6455, A replaced by C.
Protein change: p.His2152Pro; replaces histidine 2152 with proline.
Molecular consequence: missense variant.
Genome position (GRCh38, 1-based): chr4:84,740,196, T>G on the plus strand (A>C on the coding strand, the complement: WDFY3 is on the minus strand). VCF-style: chr4-84740196-T-G. GRCh37 (hg19) VCF-style: chr4-85661349-T-G.
Other names: short protein forms H2152P.
Identifiers: ClinVar variation 3777679 (VCV003777679.1).

ClinVar aggregate classification (germline): Uncertain significance (1 of 4 stars; one submission).

Submission:

GeneDx
Classification: Uncertain significance. Last evaluated: 2024-10-14. Review status: criteria provided, single submitter. Criteria: GeneDx Variant Classification Process June 2021. Collection method: clinical testing. Allele origin: germline. Affected: yes.
Comment: Not observed at significant frequency in large population cohorts (gnomAD); In silico analysis supports that this missense variant has a deleterious effect on protein structure/function; Has not been previously published as pathogenic or benign to our knowledge